The following is an entry in ClinVar:

ClinVar aggregate classification (germline): Conflicting classifications of pathogenicity. Review status: criteria provided, conflicting classifications (1 of 4 stars). 10 submissions from 7 submitters: Uncertain significance (4); Likely benign (6). Last evaluated 2026-03-27.

Conditions:
Cardiovascular phenotype. Identifiers: MedGen CN230736.
Myosin storage myopathy (CMYO7A). Also called: MYOPATHY WITH LYSIS OF TYPE I MYOFIBRILS; MYOPATHY, HYALINE BODY, AUTOSOMAL DOMINANT; SCAPULOPERONEAL MUSCULAR DYSTROPHY; SCAPULOPERONEAL SYNDROME, MYOPATHIC TYPE; MYH7-related late-onset scapuloperoneal muscular dystrophy; Congenital myopathy 7A, myosin storage, autosomal dominant. Identifiers: Orphanet 437572, Orphanet 636965, MedGen C1842160, MONDO:0008409, OMIM 608358.
Cardiomyopathy (CMYO). Also called: Cardiomyopathies. Identifiers: Orphanet 167848, MedGen C0878544, MONDO:0004994, HP:0001638. Inheritance: Various modes of inheritance.
Dilated cardiomyopathy 1S (CMD1S). Identifiers: Orphanet 154, Orphanet 54260, MedGen C1834481, MONDO:0013262, OMIM 613426.
MYH7-related skeletal myopathy. Also called: Myopathy, distal, 1; Laing distal myopathy; MYOPATHY, DISTAL, EARLY-ONSET, AUTOSOMAL DOMINANT; MYOPATHY, LATE DISTAL HEREDITARY; Laing early-onset distal myopathy. Identifiers: Orphanet 59135, MedGen C4552004, MONDO:0008050, OMIM 160500.
Hypertrophic cardiomyopathy 1 (CMH1). Also called: Familial hypertrophic cardiomyopathy 1; MYH7-Related Familial Hypertrophic Cardiomyopathy. Identifiers: MedGen C3495498, MONDO:0008647, OMIM 192600.
Hypertrophic cardiomyopathy. Also called: HYPERTROPHIC MYOCARDIOPATHY. Identifiers: Orphanet 217569, MedGen C0007194, MeSH D002312, MONDO:0005045, HP:0001639.

Allele frequency attached by ClinVar (database versions not stated): ExAC 0.00001; gnomAD 0.00001; gnomAD exomes 0.00001 and 0.00005; TOPMed 0.00004.
gnomAD v4.1: 69 of 1,613,942 alleles (0.0043%); highest among the groups gnomAD compares: Non-Finnish European, 0.0057%; no homozygotes.

Submissions (10):

Molecular Diagnostic Laboratory for Inherited Cardiovascular Disease, Montreal Heart Institute
Classification: Likely benign. Last evaluated: 2026-03-27. Review status: criteria provided, single submitter. Criteria: ACMG Guidelines, 2015. Collection method: clinical testing. Allele origin: germline. Affected: no.
Comment: BP7

Labcorp Genetics (formerly Invitae), Labcorp
Classification: Likely benign for Hypertrophic cardiomyopathy. Last evaluated: 2025-10-01. Review status: criteria provided, single submitter. Criteria: Invitae Variant Classification Sherloc (09022015). Collection method: clinical testing. Allele origin: germline.

Ambry Genetics
Classification: Likely benign for Cardiovascular phenotype. Last evaluated: 2020-11-19. Review status: criteria provided, single submitter. Criteria: Ambry Variant Classification Scheme 2023. Collection method: clinical testing. Allele origin: germline.

CeGaT Center for Human Genetics Tuebingen
Classification: Likely benign. Last evaluated: 2019-03-01. Review status: criteria provided, single submitter. Criteria: CeGaT Center For Human Genetics Tuebingen Variant Classification Criteria Version 2. Collection method: clinical testing. Allele origin: germline. Affected: yes. Observed: 1 variant allele.

Color Diagnostics, LLC DBA Color Health
Classification: Likely benign for Cardiomyopathy. Last evaluated: 2018-10-17. Review status: criteria provided, single submitter. Criteria: ACMG Guidelines, 2015. Collection method: clinical testing. Allele origin: germline.

Illumina Laboratory Services, Illumina
Classification: Uncertain significance for Dilated cardiomyopathy 1S. Last evaluated: 2018-01-13. Review status: criteria provided, single submitter. Criteria: ICSL Variant Classification Criteria 13 December 2019. Collection method: clinical testing. Allele origin: germline.

Illumina Laboratory Services, Illumina
Classification: Uncertain significance for MYH7-related skeletal myopathy. Last evaluated: 2018-01-13. Review status: criteria provided, single submitter. Criteria: ICSL Variant Classification Criteria 13 December 2019. Collection method: clinical testing. Allele origin: germline.

Illumina Laboratory Services, Illumina
Classification: Uncertain significance for Hypertrophic cardiomyopathy 1. Last evaluated: 2018-01-13. Review status: criteria provided, single submitter. Criteria: ICSL Variant Classification Criteria 13 December 2019. Collection method: clinical testing. Allele origin: germline.

Illumina Laboratory Services, Illumina
Classification: Uncertain significance for Myosin storage myopathy. Last evaluated: 2018-01-13. Review status: criteria provided, single submitter. Criteria: ICSL Variant Classification Criteria 13 December 2019. Collection method: clinical testing. Allele origin: germline.

Laboratory for Molecular Medicine, Mass General Brigham Personalized Medicine
Classification: Likely benign. Last evaluated: 2013-01-14. Review status: criteria provided, single submitter. Criteria: LMM Criteria. Collection method: clinical testing. Allele origin: germline. Observed: 1 variant allele.
Comment: Thr1929Thr in exon 39 of MYH7: This variant is not expected to have clinical sig nificance because it does not alter an amino acid residue and is not located wit hin the splice consensus sequence. Thr1929Thr in exon 39 of MYH7 (allele frequ ency = n/a)

NM_000257.4(MYH7):c.5787G>A (p.Thr1929=)

Gene: MYH7 (myosin heavy chain 7; minus strand). Cytogenetic location: 14q11.2.
Variant type: single nucleotide variant.
Coding change: c.5787G>A on transcript NM_000257.4 (MANE Select); coding-DNA position 5787, G replaced by A.
Protein change: p.Thr1929=; no amino-acid change (threonine 1929 retained).
Molecular consequence: synonymous variant.
Genome position (GRCh38, 1-based): chr14:23,413,762, C>T on the plus strand (G>A on the coding strand, the complement: MYH7 is on the minus strand). VCF-style: chr14-23413762-C-T. GRCh37 (hg19) VCF-style: chr14-23882971-C-T.
Identifiers: ClinVar variation 43091 (VCV000043091.60), dbSNP rs397516257, ClinGen allele CA016484.